The following is an entry in ClinVar:

NM_002439.5(MSH3):c.1862T>G (p.Ile621Arg)

Gene: MSH3 (mutS homolog 3; plus strand). Cytogenetic location: 5q14.1.
Variant type: single nucleotide variant.
Coding change: c.1862T>G on transcript NM_002439.5 (MANE Select); coding-DNA position 1862, T replaced by G.
Protein change: p.Ile621Arg; replaces isoleucine 621 with arginine.
Molecular consequence: missense variant.
Genome position (GRCh38, 1-based): chr5:80,761,644, T>G. VCF-style: chr5-80761644-T-G. GRCh37 (hg19) VCF-style: chr5-80057463-T-G.
Other names: short protein forms I621R.
Identifiers: ClinVar variation 1379705 (VCV001379705.11), dbSNP rs750694528, ClinGen allele CA3328067.

ClinVar aggregate classification (germline): Uncertain significance. Review status: criteria provided, multiple submitters, no conflicts (2 of 4 stars). 2 submissions from 2 submitters: Uncertain significance (2). Last evaluated 2025-12-03.

Conditions:
Hereditary cancer-predisposing syndrome. Also called: Neoplastic Syndromes, Hereditary; Hereditary Cancer Syndrome; Tumor predisposition; Hereditary neoplastic syndrome. Identifiers: Orphanet 140162, MedGen C0027672, MeSH D009386, MONDO:0015356.

Allele frequency attached by ClinVar (database versions not stated): gnomAD exomes below 0.00001 and 0.00001; TOPMed below 0.00001; ExAC 0.00001.
gnomAD v4.1: 3 of 1,614,138 alleles (0.00019%); highest among the groups gnomAD compares: South Asian, 0.0022%; no homozygotes.

Submissions (2):

Ambry Genetics
Classification: Uncertain significance for Hereditary cancer-predisposing syndrome. Last evaluated: 2025-12-03. Review status: criteria provided, single submitter. Criteria: Ambry Variant Classification Scheme 2023. Collection method: clinical testing. Allele origin: germline.
Comment: The p.I621R variant (also known as c.1862T>G), located in coding exon 13 of the MSH3 gene, results from a T to G substitution at nucleotide position 1862. The isoleucine at codon 621 is replaced by arginine, an amino acid with similar properties. This amino acid position is not well conserved in available vertebrate species. In addition, the in silico prediction for this alteration is inconclusive. Based on the available evidence, the clinical significance of this variant remains unclear.

Labcorp Genetics (formerly Invitae), Labcorp
Classification: Uncertain significance. Last evaluated: 2024-03-09. Review status: criteria provided, single submitter. Criteria: Invitae Variant Classification Sherloc (09022015). Collection method: clinical testing. Allele origin: germline.
Comment: This sequence change replaces isoleucine, which is neutral and non-polar, with arginine, which is basic and polar, at codon 621 of the MSH3 protein (p.Ile621Arg). This variant is present in population databases (rs750694528, gnomAD 0.01%). This variant has not been reported in the literature in individuals affected with MSH3-related conditions. ClinVar contains an entry for this variant (Variation ID: 1379705). An algorithm developed to predict the effect of missense changes on protein structure and function (PolyPhen-2) suggests that this variant is likely to be disruptive. In summary, the available evidence is currently insufficient to determine the role of this variant in disease. Therefore, it has been classified as a Variant of Uncertain Significance.